The following is an entry in ClinVar:

ClinVar aggregate classification (germline): Pathogenic (1 of 4 stars; one submission).

Submission:

Labcorp Genetics (formerly Invitae), Labcorp
Classification: Pathogenic. Last evaluated: 2022-01-15. Review status: criteria provided, single submitter. Criteria: Invitae Variant Classification Sherloc (09022015). Collection method: clinical testing. Allele origin: germline.
Comment: For these reasons, this variant has been classified as Pathogenic. This variant has not been reported in the literature in individuals affected with PHEX-related conditions. This variant is not present in population databases (gnomAD no frequency). This sequence change creates a premature translational stop signal (p.Arg125*) in the PHEX gene. It is expected to result in an absent or disrupted protein product. Loss-of-function variants in PHEX are known to be pathogenic (PMID: 9097956, 9106524, 19219621).

Literature cited by the submitters: PubMed 9097956; PubMed 9106524; PubMed 19219621.

NM_000444.6(PHEX):c.373A>T (p.Arg125Ter)

Gene: PHEX (phosphate regulating endopeptidase X-linked; plus strand). Cytogenetic location: Xp22.11.
Variant type: single nucleotide variant.
Coding change: c.373A>T on transcript NM_000444.6 (MANE Select); coding-DNA position 373, A replaced by T.
Protein change: p.Arg125Ter; replaces arginine 125 with a stop codon.
Molecular consequence: nonsense.
Genome position (GRCh38, 1-based): chrX:22,076,411, A>T. VCF-style: chrX-22076411-A-T. GRCh37 (hg19) VCF-style: chrX-22094529-A-T.
Other names: c.373A>T, p.Arg125Ter (NM_001282754.2); short protein forms R125*.
Identifiers: ClinVar variation 2083208 (VCV002083208.4), dbSNP rs2519752690, ClinGen allele CA412571073.
Genomic context (GRCh38, chrX:22,076,411, plus strand): 5'-GGGTGGATACTAATGAATCCTTTCTTAACCTTCCCAGAACTTTTGGAGAAATCAATCAGT[A>T]GAAGGCGGGACACCGAAGCCATACAGAAAGCCAAAATCCTTTATTCATCCTGCATGAATG-3'